The following is an entry in ClinVar:

ClinVar aggregate classification (germline): Benign/Likely benign. Review status: criteria provided, multiple submitters, no conflicts (2 of 4 stars). 5 submissions from 4 submitters: Benign (4); Likely benign (1). Last evaluated 2026-01-01.

Conditions:
Autosomal recessive spinocerebellar ataxia 14. Also called: CEREBELLAR ATAXIA, AUTOSOMAL RECESSIVE, SPECTRIN-ASSOCIATED, 1. Identifiers: Orphanet 352403, MedGen C4706415, MONDO:0014159, OMIM 615386.
Spinocerebellar ataxia type 5 (SCA5). Identifiers: Orphanet 98766, MedGen C0752123, MONDO:0010848, OMIM 600224.

Allele frequency attached by ClinVar (database versions not stated): gnomAD 0.00001 and 0.00031; TOPMed 0.00006; gnomAD exomes 0.00054 and 0.00113; ExAC 0.00139; 1000 Genomes Project 30x 0.00219; 1000 Genomes Project 0.00220.
gnomAD v4.1: 845 of 1,613,550 alleles (0.052%); highest among the groups gnomAD compares: South Asian, 0.86%; 11 homozygotes.

Submissions (5):

CeGaT Center for Human Genetics Tuebingen
Classification: Likely benign. Last evaluated: 2026-01-01. Review status: criteria provided, single submitter. Criteria: CeGaT Center For Human Genetics Tuebingen Variant Classification Criteria Version 2. Collection method: clinical testing. Allele origin: germline. Affected: yes. Observed: 4 variant alleles.
Comment: SPTBN2: BP4, BS2

Labcorp Genetics (formerly Invitae), Labcorp
Classification: Benign. Last evaluated: 2024-10-22. Review status: criteria provided, single submitter. Criteria: Invitae Variant Classification Sherloc (09022015). Collection method: clinical testing. Allele origin: germline.

Athena Diagnostics
Classification: Benign. Last evaluated: 2019-06-19. Review status: criteria provided, single submitter. Criteria: Athena Diagnostics Criteria. Collection method: clinical testing. Allele origin: germline.

Illumina Laboratory Services, Illumina
Classification: Benign for Spinocerebellar ataxia type 5. Last evaluated: 2018-01-12. Review status: criteria provided, single submitter. Criteria: ICSL Variant Classification Criteria 13 December 2019. Collection method: clinical testing. Allele origin: germline.
Comment: This variant was observed in the ICSL laboratory as part of a predisposition screen in an ostensibly healthy population. It had not been previously curated by ICSL or reported in the Human Gene Mutation Database (HGMD: prior to June 1st, 2018), and was therefore a candidate for classification through an automated scoring system. Utilizing variant allele frequency, disease prevalence and penetrance estimates, and inheritance mode, an automated score was calculated to assess if this variant is too frequent to cause the disease. Based on the score and internal cut-off values, a variant classified as benign is not then subjected to further curation. The score for this variant resulted in a classification of benign for this disease.

Illumina Laboratory Services, Illumina
Classification: Benign for Autosomal recessive spinocerebellar ataxia 14. Last evaluated: 2018-01-12. Review status: criteria provided, single submitter. Criteria: ICSL Variant Classification Criteria 13 December 2019. Collection method: clinical testing. Allele origin: germline.
Comment: the same text as in the submission from Illumina Laboratory Services, Illumina above.

NM_006946.4(SPTBN2):c.4279-8G>A

Gene: SPTBN2 (spectrin beta, non-erythrocytic 2; minus strand). Cytogenetic location: 11q13.2.
Variant type: single nucleotide variant.
Coding change: c.4279-8G>A on transcript NM_006946.4 (MANE Select); 8 bases into the intron before coding-DNA position 4279, G replaced by A.
Molecular consequence: intron variant.
Genome position (GRCh38, 1-based): chr11:66,694,371, C>T on the plus strand (G>A on the coding strand, the complement: SPTBN2 is on the minus strand). VCF-style: chr11-66694371-C-T. GRCh37 (hg19) VCF-style: chr11-66461842-C-T.
Identifiers: ClinVar variation 305557 (VCV000305557.39), dbSNP rs369614446, ClinGen allele CA6128620.